The following is an entry in ClinVar:

ClinVar aggregate classification (germline): Pathogenic (1 of 4 stars; one submission).

Conditions:
Glycine encephalopathy. Also called: Nonketotic hyperglycinemia; Non-ketotic hyperglycinemia. Identifiers: Orphanet 407, MedGen C0751748, MONDO:0011612, HP:0008288.

Submission:

Labcorp Genetics (formerly Invitae), Labcorp
Classification: Pathogenic for Glycine encephalopathy. Last evaluated: 2025-12-24. Review status: criteria provided, single submitter. Criteria: Invitae Variant Classification Sherloc (09022015). Collection method: clinical testing. Allele origin: germline.
Comment: This sequence change creates a premature translational stop signal (p.Asn178Lysfs*8) in the GLDC gene. It is expected to result in an absent or disrupted protein product. Loss-of-function variants in GLDC are known to be pathogenic (PMID: 16601880). This variant is not present in population databases (gnomAD no frequency). This variant has not been reported in the literature in individuals affected with GLDC-related conditions. For these reasons, this variant has been classified as Pathogenic.

Literature cited by the submitters: PubMed 16601880.

NM_000170.3(GLDC):c.533dup (p.Asn178fs)

Gene: GLDC (glycine decarboxylase; minus strand). Cytogenetic location: 9p24.1.
Variant type: Duplication.
Coding change: c.533dup on transcript NM_000170.3 (MANE Select); coding-DNA position 533, one base duplicated (A; older notation c.533dupA).
Protein change: p.Asn178fs; shifts the reading frame from asparagine 178.
Molecular consequence: frameshift variant.
Genome position (GRCh38, 1-based): chr9:6,610,294, T duplicated on the plus strand (A on the coding strand, the reverse complement: GLDC is on the minus strand); the first of 2 consecutive T bases (chr9:6,610,294-6,610,295); duplicating either gives the same sequence. VCF-style (leftmost placement, unchanged base first): chr9-6610293-G-GT. GRCh37 (hg19) VCF-style: chr9-6610293-G-GT.
Other names: short protein forms N178fs.
Identifiers: ClinVar variation 4734068 (VCV004734068.1).